The following is an entry in ClinVar:

ClinVar aggregate classification (germline): Uncertain significance (1 of 4 stars; one submission).

Conditions:
Autosomal recessive limb-girdle muscular dystrophy type 2B (LGMDR2). Also called: Limb-Girdle Muscular Dystrophy Type 2B (LGMD2B); Limb-girdle muscular dystrophy, type 2B; MUSCULAR DYSTROPHY, LIMB-GIRDLE, TYPE 3; MUSCULAR DYSTROPHY, LIMB-GIRDLE, AUTOSOMAL RECESSIVE 2. Identifiers: Orphanet 268, MedGen C1850889, MONDO:0009676, OMIM 253601.

Submission:

Neuberg Centre For Genomic Medicine, NCGM
Classification: Uncertain significance for Autosomal recessive limb-girdle muscular dystrophy type 2B. Review status: criteria provided, single submitter. Criteria: ACMG Guidelines, 2015. Collection method: clinical testing. Allele origin: germline. Inheritance: Autosomal recessive inheritance. Affected: yes.
Comment: The missense variant c.5719A>G (p.Asn1907Asp) in DYSF gene has not been reported previously as a pathogenic variant nor as a benign variant, to our knowledge. The p.Asn1907Asp variant is novel (not in any individuals) in gnomAD Exomes and 1000 Genomes. This variant has not been reported to the ClinVar database. The amino acid Asn at position 1907 is changed to a Asp changing protein sequence and it might alter its composition and physico-chemical properties. The amino acid change p.Asn1907Asp in DYSF is predicted as conserved by GERP++ and PhyloP across 100 vertebrates. For these reasons, this variant has been classified as Uncertain Significance (VUS).

NM_001130987.2(DYSF):c.5719A>G (p.Asn1907Asp)

Gene: DYSF (dysferlin; plus strand). Cytogenetic location: 2p13.2.
Variant type: single nucleotide variant.
Coding change: c.5719A>G on transcript NM_001130987.2 (MANE Select); coding-DNA position 5719, A replaced by G.
Protein change: p.Asn1907Asp; replaces asparagine 1907 with aspartic acid.
Molecular consequence: missense variant.
Genome position (GRCh38, 1-based): chr2:71,669,681, A>G. VCF-style: chr2-71669681-A-G. GRCh37 (hg19) VCF-style: chr2-71896811-A-G.
Other names: c.5605A>G, p.Asn1869Asp (NM_001130455.2); c.5560A>G, p.Asn1854Asp (NM_001130976.2); c.5623A>G, p.Asn1875Asp (NM_001130977.2); c.5665A>G, p.Asn1889Asp (NM_001130978.2); c.5695A>G, p.Asn1899Asp (NM_001130979.2); c.5653A>G, p.Asn1885Asp (NM_001130980.2); c.5716A>G, p.Asn1906Asp (NM_001130981.2); c.5698A>G, p.Asn1900Asp (NM_001130982.2); and 5 more; short protein forms N1875D, N1876D, N1890D, N1855D, N1900D, N1906D, N1869D, N1885D.
Identifiers: ClinVar variation 2584959 (VCV002584959.1), dbSNP rs2546579659, ClinGen allele CA347223822.
Genomic context (GRCh38, chr2:71,669,681, plus strand): 5'-GAAGAACACAAGCAAAAGACAGACGTGCATTATCGTTCCCTGGGAGGTGAAGGCAACTTC[A>G]ACTGGAGGTTCATTTTCCCCTTCGACTACCTGCCAGCTGAGCAAGTCTGTACCATTGCCA-3'
Protein context (NP_001124459.1, residues 1897-1917): YRSLGGEGNF[Asn1907Asp]WRFIFPFDYL